The following is an entry in ClinVar:

ClinVar aggregate classification (germline): Benign (1 of 4 stars; one submission).

Allele frequency attached by ClinVar (database versions not stated): gnomAD exomes 0.55324; TOPMed 0.55848; gnomAD 0.57254 and 0.57288; 1000 Genomes Project 30x 0.59275; 1000 Genomes Project 0.59445.
gnomAD v4.1: 773,850 of 1,393,792 alleles (56%); highest among the groups gnomAD compares: East Asian, 74%; 218,268 homozygotes.

Submission:

GeneDx
Classification: Benign. Last evaluated: 2018-06-18. Review status: criteria provided, single submitter. Criteria: GeneDx Variant Classification (06012015). Collection method: clinical testing. Allele origin: germline. Affected: yes.
Comment: This variant is considered likely benign or benign based on one or more of the following criteria: it is a conservative change, it occurs at a poorly conserved position in the protein, it is predicted to be benign by multiple in silico algorithms, and/or has population frequency not consistent with disease.

NM_182961.4(SYNE1):c.19573-106A>G

Gene: SYNE1 (spectrin repeat containing nuclear envelope protein 1; minus strand). Cytogenetic location: 6q25.2.
Variant type: single nucleotide variant.
Coding change: c.19573-106A>G on transcript NM_182961.4 (MANE Select); 106 bases into the intron before coding-DNA position 19573, A replaced by G.
Molecular consequence: intron variant.
Genome position (GRCh38, 1-based): chr6:152,244,762, T>C on the plus strand (A>G on the coding strand, the complement: SYNE1 is on the minus strand). VCF-style: chr6-152244762-T-C. GRCh37 (hg19) VCF-style: chr6-152565897-T-C.
Other names: c.19360-106A>G (NM_033071.5).
Identifiers: ClinVar variation 670191 (VCV000670191.1), dbSNP rs3888239, ClinGen allele CA12338472.